The following is an entry in ClinVar:

ClinVar aggregate classification (germline): Uncertain significance (1 of 4 stars; one submission).

Conditions:
Hereditary cancer-predisposing syndrome. Also called: Hereditary Cancer Syndrome; Neoplastic Syndromes, Hereditary; Tumor predisposition; Hereditary neoplastic syndrome. Identifiers: Orphanet 140162, MedGen C0027672, MeSH D009386, MONDO:0015356.

Submission:

Color Diagnostics, LLC DBA Color Health
Classification: Uncertain significance for Hereditary cancer-predisposing syndrome. Last evaluated: 2023-12-04. Review status: criteria provided, single submitter. Criteria: ACMG Guidelines, 2015. Collection method: clinical testing. Allele origin: germline.
Comment: This missense variant replaces leucine with proline at codon 456 of the APC protein. Computational prediction suggests that this variant may have deleterious impact on protein structure and function (internally defined REVEL score threshold >= 0.7, PMID: 27666373). To our knowledge, functional studies have not been reported for this variant. This variant has not been reported in individuals affected with APC-related disorders in the literature. This variant has not been identified in the general population by the Genome Aggregation Database (gnomAD). The available evidence is insufficient to determine the role of this variant in disease conclusively. Therefore, this variant is classified as a Variant of Uncertain Significance.

NM_000038.6(APC):c.1367T>C (p.Leu456Pro)

Gene: APC (APC regulator of Wnt signaling pathway; plus strand). Cytogenetic location: 5q22.2.
Variant type: single nucleotide variant.
Coding change: c.1367T>C on transcript NM_000038.6 (MANE Select); coding-DNA position 1367, T replaced by C.
Protein change: p.Leu456Pro; replaces leucine 456 with proline.
Molecular consequence: missense variant.
Genome position (GRCh38, 1-based): chr5:112,821,950, T>C. VCF-style: chr5-112821950-T-C. GRCh37 (hg19) VCF-style: chr5-112157647-T-C.
Other names: c.1367T>C, p.Leu456Pro (NM_001127510.3, NM_001354895.2, NM_001354896.2); c.1313T>C, p.Leu438Pro (NM_001127511.3); c.1397T>C, p.Leu466Pro (NM_001354897.2); c.1292T>C, p.Leu431Pro (NM_001354898.2); c.1283T>C, p.Leu428Pro (NM_001354899.2); c.1190T>C, p.Leu397Pro (NM_001354900.2, NM_001354901.2); c.1094T>C, p.Leu365Pro (NM_001354902.2); c.1064T>C, p.Leu355Pro (NM_001354903.2); and 3 more; short protein forms L438P, L456P, L330P, L296P, L365P, L397P, L428P, L431P.
Identifiers: ClinVar variation 490199 (VCV000490199.6), dbSNP rs1554080708, ClinGen allele CA16024298.